The following is an entry in ClinVar:

ClinVar aggregate classification (germline): Uncertain significance (1 of 4 stars; one submission).

Conditions:
Dilated cardiomyopathy 1O (CMD1O). Also called: CARDIOMYOPATHY, DILATED, WITH VENTRICULAR TACHYCARDIA. Identifiers: Orphanet 154, MedGen C1837839, MONDO:0012062, OMIM 608569.

Allele frequency attached by ClinVar (database versions not stated): gnomAD exomes below 0.00001.
gnomAD v4.1: 1 of 1,612,442 alleles (0.000062%); highest among the groups gnomAD compares: Non-Finnish European, 0.000085%; no homozygotes.

Submission:

Labcorp Genetics (formerly Invitae), Labcorp
Classification: Uncertain significance for Dilated cardiomyopathy 1O. Last evaluated: 2021-08-02. Review status: criteria provided, single submitter. Criteria: Invitae Variant Classification Sherloc (09022015). Collection method: clinical testing. Allele origin: germline.
Comment: In summary, the available evidence is currently insufficient to determine the role of this variant in disease. Therefore, it has been classified as a Variant of Uncertain Significance. Algorithms developed to predict the effect of missense changes on protein structure and function are either unavailable or do not agree on the potential impact of this missense change (SIFT: "Deleterious"; PolyPhen-2: "Probably Damaging"; Align-GVGD: "Class C0"). This variant has not been reported in the literature in individuals affected with ABCC9-related conditions. This variant is not present in population databases (ExAC no frequency). This sequence change replaces glycine with arginine at codon 806 of the ABCC9 protein (p.Gly806Arg). The glycine residue is highly conserved and there is a moderate physicochemical difference between glycine and arginine.

NM_020297.4(ABCC9):c.2416G>A (p.Gly806Arg)

Gene: ABCC9 (ATP binding cassette subfamily C member 9; minus strand). Cytogenetic location: 12p12.1.
Variant type: single nucleotide variant.
Coding change: c.2416G>A on transcript NM_020297.4 (MANE Select); coding-DNA position 2416, G replaced by A.
Protein change: p.Gly806Arg; replaces glycine 806 with arginine.
Molecular consequence: missense variant.
Genome position (GRCh38, 1-based): chr12:21,860,979, C>T on the plus strand (G>A on the coding strand, the complement: ABCC9 is on the minus strand). VCF-style: chr12-21860979-C-T. GRCh37 (hg19) VCF-style: chr12-22013913-C-T.
Other names: c.2416G>A, p.Gly806Arg (NM_001377273.1, NM_005691.4); c.1549G>A, p.Gly517Arg (NM_001377274.1); short protein forms G806R, G517R.
Identifiers: ClinVar variation 1497315 (VCV001497315.6), dbSNP rs1339117803, ClinGen allele CA384127950.